The following is an entry in ClinVar:

NM_019109.5(ALG1):c.766G>A (p.Glu256Lys)

Gene: ALG1 (ALG1 chitobiosyldiphosphodolichol beta-mannosyltransferase; plus strand). Cytogenetic location: 16p13.3.
Variant type: single nucleotide variant.
Coding change: c.766G>A on transcript NM_019109.5 (MANE Select); coding-DNA position 766, G replaced by A.
Protein change: p.Glu256Lys; replaces glutamic acid 256 with lysine.
Molecular consequence: missense variant.
Genome position (GRCh38, 1-based): chr16:5,078,782, G>A. VCF-style: chr16-5078782-G-A. GRCh37 (hg19) VCF-style: chr16-5128783-G-A.
Other names: c.433G>A, p.Glu145Lys (NM_001330504.2); short protein forms E145K.
Identifiers: ClinVar variation 639433 (VCV000639433.10), dbSNP rs147412842, ClinGen allele CA7890008.

ClinVar aggregate classification (germline): Conflicting classifications of pathogenicity. Review status: criteria provided, conflicting classifications (1 of 4 stars). 5 submissions from 5 submitters: Uncertain significance (3); Likely benign (1). 1 of the submissions does not count toward it. Last evaluated 2025-10-29.

Conditions:
ALG1-related disorder. Also called: ALG1-related condition.
Inborn genetic diseases. Identifiers: MedGen C0950123, MeSH D030342.
ALG1-congenital disorder of glycosylation. Also called: CONGENITAL DISORDER OF GLYCOSYLATION, TYPE Ik; ALG1-CDG; CDG Ik. Identifiers: Orphanet 79327, MedGen C2931005, MONDO:0012052, OMIM 608540.

Allele frequency attached by ClinVar (database versions not stated): gnomAD exomes 0.00038; ExAC 0.00039; 1000 Genomes Project 0.00040; 1000 Genomes Project 30x 0.00047; gnomAD 0.00076 and 0.00081; TOPMed 0.00081; ESP Exome Variant Server 0.00115.
gnomAD v4.1: 888 of 1,612,904 alleles (0.055%); highest among the groups gnomAD compares: African/African-American, 0.19%; 4 homozygotes.

Submissions (5):

Women's Health and Genetics/Laboratory Corporation of America, LabCorp
Classification: Likely benign. Last evaluated: 2025-10-29. Review status: criteria provided, single submitter. Criteria: LabCorp Variant Classification Summary - May 2015. Collection method: clinical testing. Allele origin: germline.
Comment: Variant summary: ALG1 c.766G>A (p.Glu256Lys) results in a conservative amino acid change in the encoded protein sequence. Algorithms developed to predict the effect of missense changes on protein structure and function are either unavailable or do not agree on the potential impact of this missense change. The variant allele was found at a frequency of 0.00038 in 250040 control chromosomes, predominantly at a frequency of 0.0015 within the African or African-American subpopulation in the gnomAD database, including 4 homozygotes. The observed variant frequency within African or African-American control individuals in the gnomAD database exceeds the estimated maximal expected allele frequency for disease-causing variants in ALG1. To our knowledge, no occurrence of c.766G>A in individuals affected with ALG1-related conditions and no experimental evidence demonstrating its impact on protein function have been reported. ClinVar contains an entry for this variant (Variation ID: 639433). Based on the evidence outlined above, the variant was classified as likely benign.

GeneDx
Classification: Uncertain significance. Last evaluated: 2025-04-02. Review status: criteria provided, single submitter. Criteria: GeneDx Variant Classification Process June 2021. Collection method: clinical testing. Allele origin: germline. Affected: yes.
Comment: In silico analysis indicates that this missense variant does not alter protein structure/function; Has not been previously published as pathogenic or benign to our knowledge

Labcorp Genetics (formerly Invitae), Labcorp
Classification: Uncertain significance for ALG1-congenital disorder of glycosylation. Last evaluated: 2025-02-03. Review status: criteria provided, single submitter. Criteria: Invitae Variant Classification Sherloc (09022015). Collection method: clinical testing. Allele origin: germline.
Comment: This sequence change replaces glutamic acid, which is acidic and polar, with lysine, which is basic and polar, at codon 256 of the ALG1 protein (p.Glu256Lys). This variant is present in population databases (rs147412842, gnomAD 0.2%), including at least one homozygous and/or hemizygous individual. This variant has not been reported in the literature in individuals affected with ALG1-related conditions. ClinVar contains an entry for this variant (Variation ID: 639433). Invitae Evidence Modeling of protein sequence and biophysical properties (such as structural, functional, and spatial information, amino acid conservation, physicochemical variation, residue mobility, and thermodynamic stability) indicates that this missense variant is expected to disrupt ALG1 protein function with a positive predictive value of 80%. In summary, the available evidence is currently insufficient to determine the role of this variant in disease. Therefore, it has been classified as a Variant of Uncertain Significance.

Ambry Genetics
Classification: Uncertain significance for Inborn genetic diseases. Last evaluated: 2022-03-28. Review status: criteria provided, single submitter. Criteria: Ambry Variant Classification Scheme 2023. Collection method: clinical testing. Allele origin: germline.

PreventionGenetics, part of Exact Sciences
Classification: Likely benign for ALG1-related condition. Last evaluated: 2022-10-07. Review status: no assertion criteria provided. Collection method: clinical testing. Allele origin: germline. Not counted in ClinVar's aggregate classification.
Comment: This variant is classified as likely benign based on ACMG/AMP sequence variant interpretation guidelines (Richards et al. 2015 PMID: 25741868, with internal and published modifications).